The following continues an entry in ClinVar:

NM_000059.4(BRCA2):c.9116C>T (p.Pro3039Leu)

Gene: BRCA2. ClinVar aggregate classification (germline): Conflicting classifications of pathogenicity. Uncertain significance (2); Benign (6); Likely benign (9).

Submissions 12 to 24 of 24:

ARUP Laboratories, Molecular Genetics and Genomics, ARUP Laboratories
Classification: Uncertain significance. Last evaluated: 2021-02-12. Review status: criteria provided, single submitter. Criteria: ARUP Molecular Germline Variant Investigation Process 2021. Collection method: clinical testing. Allele origin: germline.
Comment: The BRCA2 c.9116C>T; p.Pro3039Leu variant (rs80359167) is reported in the literature in individuals affected with breast and ovarian cancer, but without clear association with disease (Azzollini 2016, Jarhelle 2017, Park 2017). This variant is also reported in ClinVar (Variation ID: 52753), and is found in the general population with an overall allele frequency of 0.0089% (22/248254 alleles) in the Genome Aggregation Database. The proline at codon 3039 is moderately conserved, and computational analyses are uncertain whether this variant is neutral or deleterious (REVEL: 0.349). In vitro assays show a neutral effect on homology directed repair activity (Guidugli 2018). Other computational analyses (Alamut v.2.11) predict that this variant may impact splicing by weakening the nearby canonical donor splice site, but in vitro functional studies show no effect on splicing (Colombo 2013, Menendez 2012). However, given the lack of clear clinical data, the clinical significance of the p.Pro3039Leu variant is uncertain at this time. References: Azzollini et al. Mutation detection rates associated with specific selection criteria for BRCA1/2 testing in 1854 high-risk families: A monocentric Italian study. Eur J Intern Med. 2016 Jul;32:65-71. Colombo M et al. Comparative in vitro and in silico analyses of variants in splicing regions of BRCA1 and BRCA2 genes and characterization of novel pathogenic mutations. PLoS One. 2013;8(2):e57173. Guidugli L et al. Assessment of the Clinical Relevance of BRCA2 Missense Variants by Functional and Computational Approaches. Am J Hum Genet. 2018 Feb 1;102(2):233-248. Jarhelle E et al. Characterization of BRCA1 and BRCA2 variants found in a Norwegian breast or ovarian cancer cohort. Fam Cancer. 2017 Jan;16(1):1-16. Menendez M et al. Assessing the RNA effect of 26 DNA variants in the BRCA1 and BRCA2 genes. Breast Cancer Res Treat. 2012 Apr;132(3):979-92. Park et al. Identification of a Novel BRCA1 Pathogenic Mutation in Korean Patients Following Reclassification of BRCA1 and BRCA2 Variants According to the ACMG Standards and Guidelines Using Relevant Ethnic Controls. Cancer Res Treat. 2017 Oct;49(4):1012-1021.

Ambry Genetics
Classification: Likely benign for Hereditary cancer-predisposing syndrome. Last evaluated: 2018-10-10. Review status: criteria provided, single submitter. Criteria: Ambry Variant Classification Scheme 2023. Collection method: clinical testing. Allele origin: germline.

GeneDx
Classification: Likely benign. Last evaluated: 2018-02-05. Review status: criteria provided, single submitter. Criteria: GeneDx Variant Classification (06012015). Collection method: clinical testing. Allele origin: germline. Affected: yes.
Comment: This variant is considered likely benign or benign based on one or more of the following criteria: it is a conservative change, it occurs at a poorly conserved position in the protein, it is predicted to be benign by multiple in silico algorithms, and/or has population frequency not consistent with disease.

Color Diagnostics, LLC DBA Color Health
Classification: Benign for Hereditary cancer-predisposing syndrome. Last evaluated: 2016-07-21. Review status: criteria provided, single submitter. Criteria: ACMG Guidelines, 2015. Collection method: clinical testing. Allele origin: germline.

Molecular Genetics Laboratory, University of Michigan
Classification: Likely benign for Breast-ovarian cancer, familial, susceptibility to, 2. Last evaluated: 2016-04-21. Review status: criteria provided, single submitter. Criteria: ACMG Guidelines, 2015. Collection method: clinical testing. Allele origin: germline. Affected: yes.

Genetic Services Laboratory, University of Chicago
Classification: Likely benign. Last evaluated: 2016-04-19. Review status: criteria provided, single submitter. Criteria: ACMG Guidelines, 2015. Collection method: clinical testing. Allele origin: germline. Affected: no.

BRCAlab, Lund University
Classification: Uncertain significance for Breast-ovarian cancer, familial, susceptibility to, 2. Last evaluated: 2020-03-02. Review status: no assertion criteria provided. Collection method: clinical testing. Allele origin: germline. Affected: yes. Not counted in ClinVar's aggregate classification.

Department of Medical Genetics, University Hospital of North Norway
Classification: Uncertain significance for Breast-ovarian cancer, familial, susceptibility to, 2. Last evaluated: 2016-05-01. Review status: no assertion criteria provided. Collection method: clinical testing. Allele origin: germline. Affected: yes. Observed: 2 variant alleles. Not counted in ClinVar's aggregate classification.

Sharing Clinical Reports Project (SCRP)
Classification: Likely benign for Breast-ovarian cancer, familial 2. Last evaluated: 2013-06-25. Review status: no assertion criteria provided. Collection method: clinical testing. Allele origin: germline. Not counted in ClinVar's aggregate classification.

Breast Cancer Information Core (BIC) (BRCA2)
Classification: Uncertain significance for Breast-ovarian cancer, familial 2. Last evaluated: 2004-02-20. Review status: no assertion criteria provided. Collection method: clinical testing. Allele origin: germline. Affected: yes. Observed: 6 variant alleles. Not counted in ClinVar's aggregate classification.

Clinical Genetics DNA and cytogenetics Diagnostics Lab, Erasmus MC, Erasmus Medical Center
Classification: Uncertain significance. Review status: no assertion criteria provided. Collection method: clinical testing. Allele origin: germline. Affected: yes. Study: VKGL Data-share Consensus. Not counted in ClinVar's aggregate classification.

Clinical Genetics Laboratory, Department of Pathology, Netherlands Cancer Institute
Classification: Uncertain significance. Review status: no assertion criteria provided. Collection method: clinical testing. Allele origin: germline. Affected: yes. Study: VKGL Data-share Consensus. Not counted in ClinVar's aggregate classification.

Department of Pathology and Laboratory Medicine, Sinai Health System
Classification: Likely benign for Malignant tumor of breast. Review status: no assertion criteria provided. Collection method: clinical testing. Allele origin: unknown. Affected: yes. Study: The Canadian Open Genetics Repository (COGR). Not counted in ClinVar's aggregate classification.
Comment: The BRCA2 p.Pro3039Leu variant was identified in 8 of 6754 proband chromosomes (frequency: 0.001) from individuals or families with hereditary breast and ovarian cancer and was not identified in 1586 control chromosomes from healthy individuals (Park 2017, Azzollini 2016, Rodriguez-Balada 2016, Jarhelle 2016, Llort 2002). The variant was identified in dbSNP (rs80359167) as â€šÃ„Ãºwith likely benign, uncertain significance alleleâ€šÃ„Ã¹, ClinVar (classified as likely benign by Invitae, GeneDx, Ambry Genetics and 7 other submitters, uncertain significance by BIC and 1 other submitter and benign by Color), LOVD 3.0 (observed 9x) and UMD-LSDB (observed 19x). The variant was identified in control databases in 22 of 248,254 chromosomes at a frequency of 0.00009 increasing the likelihood this could be a low frequency benign variant (Genome Aggregation Database Feb 27, 2017). The variant was observed in the following populations: South Asian in 6 of 30,496 chromosomes (freq: 0.0002), Latino in 6 of 34,364 chromosomes (freq: 0.0002), African in 2 of 16,040 chromosomes (freq: 0.0001), European in 8 of 111,594 chromosomes (freq: 0.00007); it was not observed in the Ashkenazi Jewish, East Asian, Finnish, and Other populations. The variant was observed in UMD-LSDB in a sample with a co-occurring BRCA1 pathogenic variant (c.670+1G>T). In cDNA amplification assays, the variant had no observed effect on in vitro splicing (Rodriguez-Balada 2016, Colombo 2012, Houdayer 2012, Menedez 2012). The p.Pro3039 residue is conserved in mammals but not in more distantly related organisms, and four out of five computational analyses (PolyPhen-2, SIFT, AlignGVGD, BLOSUM, MutationTaster) suggest that the variant may impact the protein; however, this information is not predictive enough to assume pathogenicity. The p.Pro3039Leu variant occurs in the first base of the exon. This position has been shown to be part of the splicing consensus sequence and variants involving this position sometimes affect splicing. In addition, 1 of 4 in silico or computational prediction software programs (SpliceSiteFinder, MaxEntScan, NNSPLICE, GeneSplicer) predict a greater than 10% difference in splicing. In summary, based on the above information the clinical significance of this variant cannot be determined with certainty at this time although we would lean towards a more benign role for this variant. This variant is classified as likely benign.

Literature cited by the submitters: PubMed 34597585 (cited by Department of Clinical Genetics, Copenhagen University Hospital, Rigshospitalet and Quest Diagnostics Nichols Institute San Juan Capistrano); 39779857 (cited by Department of Clinical Genetics, Copenhagen University Hospital, Rigshospitalet); 38417439 (cited by Department of Clinical Genetics, Copenhagen University Hospital, Rigshospitalet); 39779848 (cited by Department of Clinical Genetics, Copenhagen University Hospital, Rigshospitalet); PubMed 31837001 (cited by Quest Diagnostics Nichols Institute San Juan Capistrano and Women's Health and Genetics/Laboratory Corporation of America, LabCorp); PubMed 32438681 (cited by Quest Diagnostics Nichols Institute San Juan Capistrano and Women's Health and Genetics/Laboratory Corporation of America, LabCorp); PubMed 29625052 (cited by Quest Diagnostics Nichols Institute San Juan Capistrano); PubMed 27062684 (cited by 3 submitters); PubMed 28111427 (cited by 3 submitters); PubMed 27495310 (cited by 3 submitters); PubMed 19043619 (cited by Quest Diagnostics Nichols Institute San Juan Capistrano and Women's Health and Genetics/Laboratory Corporation of America, LabCorp); PubMed 22505045 (cited by Quest Diagnostics Nichols Institute San Juan Capistrano and Women's Health and Genetics/Laboratory Corporation of America, LabCorp); PubMed 19471317 (cited by Quest Diagnostics Nichols Institute San Juan Capistrano and Women's Health and Genetics/Laboratory Corporation of America, LabCorp); PubMed 23451180 (cited by Quest Diagnostics Nichols Institute San Juan Capistrano and Women's Health and Genetics/Laboratory Corporation of America, LabCorp); PubMed 21735045 (cited by Quest Diagnostics Nichols Institute San Juan Capistrano and Women's Health and Genetics/Laboratory Corporation of America, LabCorp); PubMed 11857748 (cited by Quest Diagnostics Nichols Institute San Juan Capistrano and Women's Health and Genetics/Laboratory Corporation of America, LabCorp); PubMed 27886673 (cited by Quest Diagnostics Nichols Institute San Juan Capistrano and Women's Health and Genetics/Laboratory Corporation of America, LabCorp); PubMed 29394989 (cited by 3 submitters); PubMed 33609447 (cited by Quest Diagnostics Nichols Institute San Juan Capistrano and Women's Health and Genetics/Laboratory Corporation of America, LabCorp); PubMed 35736817 (cited by Quest Diagnostics Nichols Institute San Juan Capistrano); PubMed 33471991 (cited by Quest Diagnostics Nichols Institute San Juan Capistrano); PubMed 20858050 (cited by Women's Health and Genetics/Laboratory Corporation of America, LabCorp); PubMed 22632462 (cited by Women's Health and Genetics/Laboratory Corporation of America, LabCorp); PubMed 23893897 (cited by Women's Health and Genetics/Laboratory Corporation of America, LabCorp); PubMed 29884841 (cited by Women's Health and Genetics/Laboratory Corporation of America, LabCorp); PubMed 31131967 (cited by Women's Health and Genetics/Laboratory Corporation of America, LabCorp).